The following is an entry in ClinVar:

ClinVar aggregate classification (germline): Uncertain significance (1 of 4 stars; one submission).

Conditions:
Episodic kinesigenic dyskinesia (EKD). Also called: Paroxysmal kinesigenic dyskinesia. Identifiers: Orphanet 98809, MedGen C1868682, MONDO:0044202.

Allele frequency attached by ClinVar (database versions not stated): TOPMed below 0.00001; ExAC 0.00001; gnomAD 0.00001; gnomAD exomes 0.00001.
gnomAD v4.1: 11 of 1,613,354 alleles (0.00068%); highest among the groups gnomAD compares: Admixed American, 0.0017%; no homozygotes.

Submission:

Labcorp Genetics (formerly Invitae), Labcorp
Classification: Uncertain significance for Episodic kinesigenic dyskinesia. Last evaluated: 2025-09-25. Review status: criteria provided, single submitter. Criteria: Invitae Variant Classification Sherloc (09022015). Collection method: clinical testing. Allele origin: germline.
Comment: This sequence change replaces alanine, which is neutral and non-polar, with proline, which is neutral and non-polar, at codon 183 of the PRRT2 protein (p.Ala183Pro). This variant is present in population databases (rs770599131, gnomAD 0.003%). This variant has not been reported in the literature in individuals affected with PRRT2-related conditions. ClinVar contains an entry for this variant (Variation ID: 573345). Invitae Evidence Modeling of protein sequence and biophysical properties (such as structural, functional, and spatial information, amino acid conservation, physicochemical variation, residue mobility, and thermodynamic stability) indicates that this missense variant is not expected to disrupt PRRT2 protein function with a negative predictive value of 95%. In summary, the available evidence is currently insufficient to determine the role of this variant in disease. Therefore, it has been classified as a Variant of Uncertain Significance.

NM_145239.3(PRRT2):c.547G>C (p.Ala183Pro)

Genes: MVP-DT (MVP divergent transcript; minus strand), PRRT2 (proline rich transmembrane protein 2; plus strand). Cytogenetic location: 16p11.2.
Variant type: single nucleotide variant.
Coding change: c.547G>C on transcript NM_145239.3 (MANE Select); coding-DNA position 547, G replaced by C.
Protein change: p.Ala183Pro; replaces alanine 183 with proline.
Molecular consequence: missense variant.
Genome position (GRCh38, 1-based): chr16:29,813,601, G>C. VCF-style: chr16-29813601-G-C. GRCh37 (hg19) VCF-style: chr16-29824922-G-C.
Other names: c.547G>C, p.Ala183Pro (NM_001256442.2, NM_001256443.2); short protein forms A183P.
Identifiers: ClinVar variation 573345 (VCV000573345.11), dbSNP rs770599131, ClinGen allele CA7994542.